The following is an entry in ClinVar:

ClinVar aggregate classification (germline): Benign (0 of 4 stars; one submission).

Conditions:
CAMK2G-related disorder. Also called: CAMK2G-related condition.

Allele frequency attached by ClinVar (database versions not stated): ExAC 0.00302; 1000 Genomes Project 30x 0.00484; 1000 Genomes Project 0.00539; gnomAD exomes 0.00078; gnomAD 0.00846; ESP Exome Variant Server 0.00903; TOPMed 0.00921.
gnomAD v4.1: 2,356 of 1,522,422 alleles (0.15%); highest among the groups gnomAD compares: African/African-American, 2.8%; 25 homozygotes.

Submission:

PreventionGenetics, part of Exact Sciences
Classification: Benign for CAMK2G-related condition. Last evaluated: 2020-02-18. Review status: no assertion criteria provided. Collection method: clinical testing. Allele origin: germline.
Comment: This variant is classified as benign based on ACMG/AMP sequence variant interpretation guidelines (Richards et al. 2015 PMID: 25741868, with internal and published modifications).

NM_001367534.1(CAMK2G):c.15C>T (p.Ala5=)

Gene: CAMK2G (calcium/calmodulin dependent protein kinase II gamma; minus strand). Cytogenetic location: 10q22.2.
Variant type: single nucleotide variant.
Coding change: c.15C>T on transcript NM_001367534.1 (MANE Select); coding-DNA position 15, C replaced by T.
Protein change: p.Ala5=; no amino-acid change (alanine 5 retained).
Molecular consequence: synonymous variant. On other transcripts: 5 prime UTR variant (6), non-coding transcript variant (8).
Genome position (GRCh38, 1-based): chr10:73,874,447, G>A on the plus strand (C>T on the coding strand, the complement: CAMK2G is on the minus strand). VCF-style: chr10-73874447-G-A. GRCh37 (hg19) VCF-style: chr10-75634205-G-A.
Other names: c.15C>T, p.Ala5= (NM_001204492.2, NM_001222.4, NM_001320898.2 and 31 more transcripts); c.-177C>T (NM_001367524.1, NM_001367537.1, NM_001367538.1 and 1 more transcripts); c.-557C>T (NM_001367540.1); c.-873C>T (NM_001367542.1).
Identifiers: ClinVar variation 3043719 (VCV003043719.2), dbSNP rs147311100, ClinGen allele CA5562190.
Genomic context (GRCh38, chr10:73,874,447, plus strand): 5'-CGGGCCGTACTTGCCAAGCTCCTCGAAGAGCTGGTAGTCGTCGGTGAAACGGGTGCAGGT[G>A]GCGGTGGTGGCCATGCTGGCGGGCGGGCGGACGCGGCGGTGCAGCCCGCGCCGACGTCGG-3'
Protein context (NP_001354463.1, residues 1-15): MATT[Ala5=]TCTRFTDDYQ